The following is an entry in ClinVar:

ClinVar aggregate classification (germline): Uncertain significance. Review status: criteria provided, multiple submitters, no conflicts (2 of 4 stars). 5 submissions from 5 submitters: Uncertain significance (5). Last evaluated 2025-08-25.

Conditions:
Kury-Isidor syndrome (KURIS). Identifiers: MedGen C5676925, MONDO:0859230, OMIM 619762.
BAP1-related tumor predisposition syndrome (TPDS1). Also called: Tumor susceptibility linked to germline BAP1 mutations; BAP1 tumor predisposition syndrome; COMMON Syndrome; TUMOR PREDISPOSITION SYNDROME 1. Identifiers: Orphanet 289539, MedGen C3280492, MONDO:0013692, OMIM 614327.
Melanoma, uveal, susceptibility to, 2 (UVM2). Also called: Melanoma, uveal 2. Identifiers: Orphanet 39044, MedGen C1847723, MONDO:0011696, OMIM 606661.
Hereditary cancer-predisposing syndrome. Also called: Tumor predisposition; Hereditary neoplastic syndrome; Neoplastic Syndromes, Hereditary; Hereditary Cancer Syndrome. Identifiers: Orphanet 140162, MedGen C0027672, MeSH D009386, MONDO:0015356.

gnomAD v4.1: 1 of 1,614,094 alleles (0.000062%); no homozygotes.

Submissions (5):

Quest Diagnostics Nichols Institute San Juan Capistrano
Classification: Uncertain significance. Last evaluated: 2025-08-25. Review status: criteria provided, single submitter. Criteria: Quest Diagnostics criteria. Collection method: clinical testing. Allele origin: unknown.
Comment: The BAP1 c.1622T>C (p.Val541Ala) variant has not been reported in individuals with BAP1-related conditions in the published literature. This variant has not been reported in large, multi-ethnic general populations (Genome Aggregation Database). Analysis of this variant using bioinformatics tools for the prediction of the effect of amino acid changes on protein structure and function yielded predictions that this variant is benign. Based on the available information, we are unable to determine the clinical significance of this variant.

Labcorp Genetics (formerly Invitae), Labcorp
Classification: Uncertain significance for BAP1-related tumor predisposition syndrome. Last evaluated: 2024-11-27. Review status: criteria provided, single submitter. Criteria: Invitae Variant Classification Sherloc (09022015). Collection method: clinical testing. Allele origin: germline.
Comment: This sequence change replaces valine, which is neutral and non-polar, with alanine, which is neutral and non-polar, at codon 541 of the BAP1 protein (p.Val541Ala). This variant is not present in population databases (gnomAD no frequency). This variant has not been reported in the literature in individuals affected with BAP1-related conditions. ClinVar contains an entry for this variant (Variation ID: 1359050). Invitae Evidence Modeling of protein sequence and biophysical properties (such as structural, functional, and spatial information, amino acid conservation, physicochemical variation, residue mobility, and thermodynamic stability) indicates that this missense variant is not expected to disrupt BAP1 protein function with a negative predictive value of 80%. In summary, the available evidence is currently insufficient to determine the role of this variant in disease. Therefore, it has been classified as a Variant of Uncertain Significance.

GeneDx
Classification: Uncertain significance. Last evaluated: 2024-08-20. Review status: criteria provided, single submitter. Criteria: GeneDx Variant Classification Process June 2021. Collection method: clinical testing. Allele origin: germline. Affected: yes.
Comment: Not observed at significant frequency in large population cohorts (gnomAD); In silico analysis indicates that this missense variant does not alter protein structure/function; Has not been previously published as pathogenic or benign to our knowledge

Fulgent Genetics
Classification: Uncertain significance for Melanoma, uveal, susceptibility to, 2; BAP1-related tumor predisposition syndrome; Kury-Isidor syndrome. Last evaluated: 2024-02-25. Review status: criteria provided, single submitter. Criteria: ACMG Guidelines, 2015. Collection method: clinical testing. Allele origin: germline.

Ambry Genetics
Classification: Uncertain significance for Hereditary cancer-predisposing syndrome. Last evaluated: 2023-11-29. Review status: criteria provided, single submitter. Criteria: Ambry Variant Classification Scheme 2023. Collection method: clinical testing. Allele origin: germline.
Comment: The p.V541A variant (also known as c.1622T>C), located in coding exon 13 of the BAP1 gene, results from a T to C substitution at nucleotide position 1622. The valine at codon 541 is replaced by alanine, an amino acid with similar properties. This amino acid position is conserved. In addition, this alteration is predicted to be tolerated by in silico analysis. Since supporting evidence is limited at this time, the clinical significance of this alteration remains unclear.

NM_004656.4(BAP1):c.1622T>C (p.Val541Ala)

Gene: BAP1 (BRCA1 associated deubiquitinase 1; minus strand). Cytogenetic location: 3p21.1.
Variant type: single nucleotide variant.
Coding change: c.1622T>C on transcript NM_004656.4 (MANE Select); coding-DNA position 1622, T replaced by C.
Protein change: p.Val541Ala; replaces valine 541 with alanine.
Molecular consequence: missense variant.
Genome position (GRCh38, 1-based): chr3:52,403,523, A>G on the plus strand (T>C on the coding strand, the complement: BAP1 is on the minus strand). VCF-style: chr3-52403523-A-G. GRCh37 (hg19) VCF-style: chr3-52437539-A-G.
Other names: c.1622T>C (NM_004656.2, NM_004656.3); short protein forms V541A.
Identifiers: ClinVar variation 1359050 (VCV001359050.10), dbSNP rs2153226634, ClinGen allele CA353100261.